The following is an entry in ClinVar:

ClinVar aggregate classification (germline): Benign (0 of 4 stars; one submission).

Conditions:
NHLRC2-related disorder. Also called: NHLRC2-related condition.

Allele frequency attached by ClinVar (database versions not stated): gnomAD exomes 0.00087; ExAC 0.00280; gnomAD 0.00880; ESP Exome Variant Server 0.00978; 1000 Genomes Project 0.01098; 1000 Genomes Project 30x 0.01202.
gnomAD v4.1: 2,615 of 1,572,724 alleles (0.17%); highest among the groups gnomAD compares: African/African-American, 3.2%; 43 homozygotes.

Submission:

PreventionGenetics, part of Exact Sciences
Classification: Benign for NHLRC2-related condition. Last evaluated: 2019-06-13. Review status: no assertion criteria provided. Collection method: clinical testing. Allele origin: germline.
Comment: This variant is classified as benign based on ACMG/AMP sequence variant interpretation guidelines (Richards et al. 2015 PMID: 25741868, with internal and published modifications).

NM_198514.4(NHLRC2):c.853G>A (p.Ala285Thr)

Gene: NHLRC2 (NHL repeat containing 2; plus strand). Cytogenetic location: 10q25.3.
Variant type: single nucleotide variant.
Coding change: c.853G>A on transcript NM_198514.4 (MANE Select); coding-DNA position 853, G replaced by A.
Protein change: p.Ala285Thr; replaces alanine 285 with threonine.
Molecular consequence: missense variant.
Genome position (GRCh38, 1-based): chr10:113,879,639, G>A. VCF-style: chr10-113879639-G-A. GRCh37 (hg19) VCF-style: chr10-115639398-G-A.
Other names: short protein forms A285T.
Identifiers: ClinVar variation 3034232 (VCV003034232.2), dbSNP rs75758714, ClinGen allele CA5697862.
Genomic context (GRCh38, chr10:113,879,639, plus strand): 5'-AACCCTGGAAGAAAAGATGGAATATTTTCAGAATCAACTTTTAATTCTCCACAGGGTGTA[G>A]CCATAATGAATAATATCATATATGTGGCAGACACTGAAAACCACCTTATAAGAAAGGTAA-3'
Protein context (NP_940916.2, residues 275-295): ESTFNSPQGV[Ala285Thr]IMNNIIYVAD